The following is an entry in ClinVar:

NM_144687.4(NLRP12):c.104C>T (p.Ala35Val)

Gene: NLRP12 (NLR family pyrin domain containing 12; minus strand). Cytogenetic location: 19q13.42.
Variant type: single nucleotide variant.
Coding change: c.104C>T on transcript NM_144687.4 (MANE Select); coding-DNA position 104, C replaced by T.
Protein change: p.Ala35Val; replaces alanine 35 with valine.
Molecular consequence: missense variant.
Genome position (GRCh38, 1-based): chr19:53,824,071, G>A on the plus strand (C>T on the coding strand, the complement: NLRP12 is on the minus strand). VCF-style: chr19-53824071-G-A. GRCh37 (hg19) VCF-style: chr19-54327325-G-A.
Other names: c.104C>T, p.Ala35Val (NM_001277126.2, NM_001277129.1); short protein forms A35V.
Identifiers: ClinVar variation 623965 (VCV000623965.49), dbSNP rs373357561, ClinGen allele CA9639835.
Genomic context (GRCh38, chr19:53,824,071, plus strand): 5'-TCCAGGGGACCGGCCTTCTCCATGCTTCCCCAGGGGATCTTGCCTTCTCCCAGCTCTGTC[G>A]CGGTCCCCAGGTATAACTTGAACTTCTTCAGTTCCACAGCCTCGAGTTCTTCCAAGTAGG-3'
Protein context (NP_653288.1, residues 25-45): LKKFKLYLGT[Ala35Val]TELGEGKIPW

ClinVar aggregate classification (germline): Uncertain significance. Review status: criteria provided, multiple submitters, no conflicts (2 of 4 stars). 3 submissions from 3 submitters: Uncertain significance (3). Last evaluated 2025-10-13.

Conditions:
Familial cold autoinflammatory syndrome 2 (FCAS2). Identifiers: Orphanet 247868, MedGen C2673198, MONDO:0012724, OMIM 611762.

Allele frequency attached by ClinVar (database versions not stated): gnomAD 0.00003 and 0.00004; TOPMed 0.00003; ESP Exome Variant Server 0.00008.
gnomAD v4.1: 21 of 1,613,948 alleles (0.0013%); highest among the groups gnomAD compares: African/African-American, 0.0027%; no homozygotes.

Submissions (3):

Labcorp Genetics (formerly Invitae), Labcorp
Classification: Uncertain significance for Familial cold autoinflammatory syndrome 2. Last evaluated: 2025-10-13. Review status: criteria provided, single submitter. Criteria: Invitae Variant Classification Sherloc (09022015). Collection method: clinical testing. Allele origin: germline.
Comment: This sequence change replaces alanine, which is neutral and non-polar, with valine, which is neutral and non-polar, at codon 35 of the NLRP12 protein (p.Ala35Val). This variant is present in population databases (rs373357561, gnomAD 0.004%). This variant has not been reported in the literature in individuals affected with NLRP12-related conditions. ClinVar contains an entry for this variant (Variation ID: 623965). Invitae Evidence Modeling of protein sequence and biophysical properties (such as structural, functional, and spatial information, amino acid conservation, physicochemical variation, residue mobility, and thermodynamic stability) indicates that this missense variant is not expected to disrupt NLRP12 protein function with a negative predictive value of 80%. In summary, the available evidence is currently insufficient to determine the role of this variant in disease. Therefore, it has been classified as a Variant of Uncertain Significance.

ARUP Laboratories, Molecular Genetics and Genomics, ARUP Laboratories
Classification: Uncertain significance for Familial cold autoinflammatory syndrome 2. Last evaluated: 2022-06-30. Review status: criteria provided, single submitter. Criteria: ARUP Molecular Germline Variant Investigation Process 2021. Collection method: clinical testing. Allele origin: germline.
Comment: The NLRP12 c.104C>T; p.Ala35Val variant (rs373357561), to our knowledge, is not reported in the medical literature but is reported in ClinVar (Variation ID: 623965). This variant is only observed on two alleles in the Genome Aggregation Database, indicating it is not a common polymorphism. The alanine at codon 35 is moderately conserved, but computational analyses predict that this variant is neutral (REVEL: 0.082). Due to limited information, the clinical significance of this variant is uncertain at this time.

CeGaT Center for Human Genetics Tuebingen
Classification: Uncertain significance. Last evaluated: 2018-06-01. Review status: criteria provided, single submitter. Criteria: CeGaT Center For Human Genetics Tuebingen Variant Classification Criteria Version 2. Collection method: clinical testing. Allele origin: germline. Affected: yes. Observed: 1 variant allele.